The following is an entry in ClinVar:

NM_001372106.1(DNAH10):c.6606C>T (p.Asn2202=)

Gene: DNAH10 (dynein axonemal heavy chain 10; plus strand). Cytogenetic location: 12q24.31.
Variant type: single nucleotide variant.
Coding change: c.6606C>T on transcript NM_001372106.1 (MANE Select); coding-DNA position 6606, C replaced by T.
Protein change: p.Asn2202=; no amino-acid change (asparagine 2202 retained).
Molecular consequence: synonymous variant.
Genome position (GRCh38, 1-based): chr12:123,857,223, C>T. VCF-style: chr12-123857223-C-T. GRCh37 (hg19) VCF-style: chr12-124341770-C-T.
Other names: c.6252C>T, p.Asn2084= (NM_001083900.1, NM_207437.3).
Identifiers: ClinVar variation 3039061 (VCV003039061.2), dbSNP rs34524265, ClinGen allele CA6864247.

ClinVar aggregate classification (germline): Benign (0 of 4 stars; one submission).

Conditions:
DNAH10-related disorder. Also called: DNAH10-related condition.

Allele frequency attached by ClinVar (database versions not stated): gnomAD exomes 0.00059; ExAC 0.00149; ESP Exome Variant Server 0.00514; gnomAD 0.00521; TOPMed 0.00609; 1000 Genomes Project 0.00759; 1000 Genomes Project 30x 0.00843.
gnomAD v4.1: 1,649 of 1,582,318 alleles (0.1%); highest among the groups gnomAD compares: African/African-American, 1.9%; 15 homozygotes.

Submission:

PreventionGenetics, part of Exact Sciences
Classification: Benign for DNAH10-related condition. Last evaluated: 2019-03-18. Review status: no assertion criteria provided. Collection method: clinical testing. Allele origin: germline.
Comment: This variant is classified as benign based on ACMG/AMP sequence variant interpretation guidelines (Richards et al. 2015 PMID: 25741868, with internal and published modifications).